The following is an entry in ClinVar:

NM_000051.4(ATM):c.4725dup (p.Ile1576fs)

Gene: ATM (ATM serine/threonine kinase; plus strand). Cytogenetic location: 11q22.3.
Variant type: Duplication.
Coding change: c.4725dup on transcript NM_000051.4 (MANE Select); coding-DNA position 4725, one base duplicated (T; older notation c.4725dupT).
Protein change: p.Ile1576fs; shifts the reading frame from isoleucine 1576.
Molecular consequence: frameshift variant.
Genome position (GRCh38, 1-based): chr11:108,293,426, T duplicated. VCF-style (leftmost placement, unchanged base first): chr11-108293425-G-GT. GRCh37 (hg19) VCF-style: chr11-108164152-G-GT.
Other names: c.4725dup, p.Ile1576fs (NM_001351834.2); short protein forms I1576fs.
Identifiers: ClinVar variation 628972 (VCV000628972.4), dbSNP rs1565463203, ClinGen allele CA913188388.

ClinVar aggregate classification (germline): Pathogenic (1 of 4 stars; one submission).

Conditions:
Hereditary cancer-predisposing syndrome. Also called: Neoplastic Syndromes, Hereditary; Tumor predisposition; Hereditary neoplastic syndrome; Hereditary Cancer Syndrome. Identifiers: Orphanet 140162, MedGen C0027672, MeSH D009386, MONDO:0015356.

Submission:

Color Diagnostics, LLC DBA Color Health
Classification: Pathogenic for Hereditary cancer-predisposing syndrome. Last evaluated: 2020-01-15. Review status: criteria provided, single submitter. Criteria: ACMG Guidelines, 2015. Collection method: clinical testing. Allele origin: germline.
Comment: This variant inserts 1 nucleotide in exon 31 of the ATM gene, creating a frameshift and premature translation stop signal. This variant is expected to result in an absent or non-functional protein product. This variant has not been identified in the general population by the Genome Aggregation Database (gnomAD). Loss of ATM function is a known mechanism of disease. Based on the available evidence, this variant is classified as Pathogenic.